The following is an entry in ClinVar:

ClinVar aggregate classification (germline): Uncertain significance (1 of 4 stars; one submission).

Conditions:
Brachyolmia-amelogenesis imperfecta syndrome. Also called: Tooth agenesis, selective, 6; Dental anomalies and short stature; PLATYSPONDYLY WITH AMELOGENESIS IMPERFECTA. Identifiers: Orphanet 2899, MedGen C1832594, MONDO:0011018, OMIM 601216. Disease mechanism: loss of function.

Submission:

Labcorp Genetics (formerly Invitae), Labcorp
Classification: Uncertain significance for Brachyolmia-amelogenesis imperfecta syndrome. Last evaluated: 2023-08-17. Review status: criteria provided, single submitter. Criteria: Invitae Variant Classification Sherloc (09022015). Collection method: clinical testing. Allele origin: unknown.
Comment: In summary, the available evidence is currently insufficient to determine the role of this variant in disease. Therefore, it has been classified as a Variant of Uncertain Significance. Experimental studies and prediction algorithms are not available or were not evaluated, and the functional significance of this variant is currently unknown. This variant has not been reported in the literature in individuals affected with LTBP3-related conditions. This variant results in a copy number gain of the genomic region encompassing exon(s) 1-6 of the LTBP3 gene. This region includes the initiator codon of the gene. This copy number gain extends beyond the assayed region for this gene and therefore may encompass additional genes. As the precise location of this event is unknown, it may be in tandem or it may be located elsewhere in the genome.

NC_000011.9:g.(?_65320311)_(65325430_?)dup

Gene: LTBP3 (latent transforming growth factor beta binding protein 3; minus strand). Cytogenetic location: 11q13.1.
Variant type: Duplication.
Identifiers: ClinVar variation 3244615 (VCV003244615.1).